The following is an entry in ClinVar:

NM_001378454.1(ALMS1):c.3550A>T (p.Ile1184Leu)

Gene: ALMS1 (ALMS1 centrosome and basal body associated protein; plus strand). Cytogenetic location: 2p13.1.
Variant type: single nucleotide variant.
Coding change: c.3550A>T on transcript NM_001378454.1 (MANE Select); coding-DNA position 3550, A replaced by T.
Protein change: p.Ile1184Leu; replaces isoleucine 1184 with leucine.
Molecular consequence: missense variant.
Genome position (GRCh38, 1-based): chr2:73,450,077, A>T. VCF-style: chr2-73450077-A-T. GRCh37 (hg19) VCF-style: chr2-73677204-A-T.
Other names: c.3553A>T, p.Ile1185Leu (NM_015120.4); short protein forms I1184L, I1185L.
Identifiers: ClinVar variation 2195112 (VCV002195112.1), dbSNP rs574853656, ClinGen allele CA1713544.

ClinVar aggregate classification (germline): Uncertain significance (1 of 4 stars; one submission).

Conditions:
Alstrom syndrome (ALMS). Identifiers: Orphanet 64, MedGen C0268425, MONDO:0008763, OMIM 203800.

Allele frequency attached by ClinVar (database versions not stated): gnomAD exomes below 0.00001; ExAC 0.00001; gnomAD 0.00001; 1000 Genomes Project 30x 0.00016; 1000 Genomes Project 0.00020.
gnomAD v4.1: 4 of 1,614,000 alleles (0.00025%); highest among the groups gnomAD compares: South Asian, 0.0044%; no homozygotes.

Submission:

Labcorp Genetics (formerly Invitae), Labcorp
Classification: Uncertain significance for Alstrom syndrome. Last evaluated: 2022-05-12. Review status: criteria provided, single submitter. Criteria: Invitae Variant Classification Sherloc (09022015). Collection method: clinical testing. Allele origin: germline.
Comment: This sequence change replaces isoleucine, which is neutral and non-polar, with leucine, which is neutral and non-polar, at codon 1185 of the ALMS1 protein (p.Ile1185Leu). This variant is present in population databases (rs574853656, gnomAD 0.003%). This variant has not been reported in the literature in individuals affected with ALMS1-related conditions. Experimental studies and prediction algorithms are not available or were not evaluated, and the functional significance of this variant is currently unknown. In summary, the available evidence is currently insufficient to determine the role of this variant in disease. Therefore, it has been classified as a Variant of Uncertain Significance.